The following is an entry in ClinVar:

ClinVar aggregate classification (germline): Uncertain significance (1 of 4 stars; one submission).

Submission:

GeneDx
Classification: Uncertain significance. Last evaluated: 2026-04-12. Review status: criteria provided, single submitter. Criteria: GeneDx Variant Classification Process June 2021. Collection method: clinical testing. Allele origin: germline.
Comment: Not observed at significant frequency in large population cohorts (gnomAD); In silico analysis supports that this missense variant has a deleterious effect on protein structure/function; Has not been previously published as pathogenic or benign to our knowledge

NM_000334.4(SCN4A):c.1390A>G (p.Lys464Glu)

Gene: SCN4A (sodium voltage-gated channel alpha subunit 4; minus strand). Cytogenetic location: 17q23.3.
Variant type: single nucleotide variant.
Coding change: c.1390A>G on transcript NM_000334.4 (MANE Select); coding-DNA position 1390, A replaced by G.
Protein change: p.Lys464Glu; replaces lysine 464 with glutamic acid.
Molecular consequence: missense variant.
Genome position (GRCh38, 1-based): chr17:63,964,530, T>C on the plus strand (A>G on the coding strand, the complement: SCN4A is on the minus strand). VCF-style: chr17-63964530-T-C. GRCh37 (hg19) VCF-style: chr17-62041890-T-C.
Other names: short protein forms K464E.
Identifiers: ClinVar variation 5036949 (VCV005036949.1).